The following is an entry in ClinVar:

ClinVar aggregate classification (germline): Uncertain significance (1 of 4 stars; one submission).

gnomAD v4.1: 3 of 1,605,724 alleles (0.00019%); highest among the groups gnomAD compares: Non-Finnish European, 0.00017%; no homozygotes.

Submission:

GeneDx
Classification: Uncertain significance. Last evaluated: 2026-04-15. Review status: criteria provided, single submitter. Criteria: GeneDx Variant Classification Process June 2021. Collection method: clinical testing. Allele origin: germline.
Comment: Not observed at significant frequency in large population cohorts (gnomAD); In silico analysis suggests that this missense variant does not alter protein structure/function; Has not been previously published as pathogenic or benign to our knowledge

NM_203446.3(SYNJ1):c.1528C>G (p.Gln510Glu)

Gene: SYNJ1 (synaptojanin 1; minus strand). Cytogenetic location: 21q22.11.
Variant type: single nucleotide variant.
Coding change: c.1528C>G on transcript NM_203446.3 (MANE Select); coding-DNA position 1528, C replaced by G.
Protein change: p.Gln510Glu; replaces glutamine 510 with glutamic acid.
Molecular consequence: missense variant. On other transcripts: intron variant (1).
Genome position (GRCh38, 1-based): chr21:32,676,338, G>C on the plus strand (C>G on the coding strand, the complement: SYNJ1 is on the minus strand). VCF-style: chr21-32676338-G-C. GRCh37 (hg19) VCF-style: chr21-34048648-G-C.
Other names: c.1528C>G, p.Gln510Glu (NM_001160302.2); c.1645C>G, p.Gln549Glu (NM_003895.4); c.1519+2307C>G (NM_001160306.2); short protein forms Q510E, Q549E.
Identifiers: ClinVar variation 5037083 (VCV005037083.1).